The following is an entry in ClinVar:

ClinVar aggregate classification (germline): Likely benign. Review status: criteria provided, multiple submitters, no conflicts (2 of 4 stars). 3 submissions from 3 submitters: Likely benign (3). Last evaluated 2025-12-28.

Allele frequency attached by ClinVar (database versions not stated): TOPMed 0.00006; gnomAD 0.00011; ESP Exome Variant Server 0.00015.
gnomAD v4.1: 226 of 1,613,980 alleles (0.014%); highest among the groups gnomAD compares: Admixed American, 0.023%; no homozygotes.

Submissions (3):

Labcorp Genetics (formerly Invitae), Labcorp
Classification: Likely benign. Last evaluated: 2025-12-28. Review status: criteria provided, single submitter. Criteria: Invitae Variant Classification Sherloc (09022015). Collection method: clinical testing. Allele origin: germline.

Blueprint Genetics
Classification: Likely benign. Last evaluated: 2024-05-02. Review status: criteria provided, single submitter. Criteria: ACMG Guidelines, 2015. Collection method: clinical testing. Allele origin: germline.

CeGaT Center for Human Genetics Tuebingen
Classification: Likely benign. Last evaluated: 2024-03-01. Review status: criteria provided, single submitter. Criteria: CeGaT Center For Human Genetics Tuebingen Variant Classification Criteria Version 2. Collection method: clinical testing. Allele origin: germline. Affected: yes. Observed: 1 variant allele.
Comment: LAMA1: BP4, BP7

NM_005559.4(LAMA1):c.3021C>T (p.Cys1007=)

Gene: LAMA1 (laminin subunit alpha 1; minus strand). Cytogenetic location: 18p11.31.
Variant type: single nucleotide variant.
Coding change: c.3021C>T on transcript NM_005559.4 (MANE Select); coding-DNA position 3021, C replaced by T.
Protein change: p.Cys1007=; no amino-acid change (cysteine 1007 retained).
Molecular consequence: synonymous variant.
Genome position (GRCh38, 1-based): chr18:7,015,827, G>A on the plus strand (C>T on the coding strand, the complement: LAMA1 is on the minus strand). VCF-style: chr18-7015827-G-A. GRCh37 (hg19) VCF-style: chr18-7015826-G-A.
Identifiers: ClinVar variation 2200630 (VCV002200630.26), dbSNP rs138024139, ClinGen allele CA8882425.